The following is an entry in ClinVar:

ClinVar aggregate classification (germline): Uncertain significance (1 of 4 stars; one submission).

Allele frequency attached by ClinVar (database versions not stated): ExAC 0.00002; gnomAD 0.00003; TOPMed 0.00004; 1000 Genomes Project 30x 0.00016; 1000 Genomes Project 0.00020.
gnomAD v4.1: 55 of 1,613,978 alleles (0.0034%); highest among the groups gnomAD compares: Middle Eastern, 0.016%; no homozygotes.

Submission:

Labcorp Genetics (formerly Invitae), Labcorp
Classification: Uncertain significance. Last evaluated: 2022-08-19. Review status: criteria provided, single submitter. Criteria: Invitae Variant Classification Sherloc (09022015). Collection method: clinical testing. Allele origin: germline.
Comment: This sequence change replaces arginine, which is basic and polar, with tryptophan, which is neutral and slightly polar, at codon 711 of the MBTPS1 protein (p.Arg711Trp). This variant is present in population databases (rs200208765, gnomAD 0.004%). This variant has not been reported in the literature in individuals affected with MBTPS1-related conditions. Algorithms developed to predict the effect of missense changes on protein structure and function are either unavailable or do not agree on the potential impact of this missense change (SIFT: "Deleterious"; PolyPhen-2: "Possibly Damaging"; Align-GVGD: "Class C15"). In summary, the available evidence is currently insufficient to determine the role of this variant in disease. Therefore, it has been classified as a Variant of Uncertain Significance.

NM_003791.4(MBTPS1):c.2131C>T (p.Arg711Trp)

Gene: MBTPS1 (membrane bound transcription factor peptidase, site 1; minus strand). Cytogenetic location: 16q23.3.
Variant type: single nucleotide variant.
Coding change: c.2131C>T on transcript NM_003791.4 (MANE Select); coding-DNA position 2131, C replaced by T.
Protein change: p.Arg711Trp; replaces arginine 711 with tryptophan.
Molecular consequence: missense variant.
Genome position (GRCh38, 1-based): chr16:84,067,764, G>A on the plus strand (C>T on the coding strand, the complement: MBTPS1 is on the minus strand). VCF-style: chr16-84067764-G-A. GRCh37 (hg19) VCF-style: chr16-84101369-G-A.
Other names: short protein forms R711W.
Identifiers: ClinVar variation 1969353 (VCV001969353.2), dbSNP rs200208765, ClinGen allele CA8201044.